The following is an entry in ClinVar:

NM_000760.4(CSF3R):c.734A>T (p.Gln245Leu)

Gene: CSF3R (colony stimulating factor 3 receptor; minus strand). Cytogenetic location: 1p34.3.
Variant type: single nucleotide variant.
Coding change: c.734A>T on transcript NM_000760.4 (MANE Select); coding-DNA position 734, A replaced by T.
Protein change: p.Gln245Leu; replaces glutamine 245 with leucine.
Molecular consequence: missense variant.
Genome position (GRCh38, 1-based): chr1:36,472,626, T>A on the plus strand (A>T on the coding strand, the complement: CSF3R is on the minus strand). VCF-style: chr1-36472626-T-A. GRCh37 (hg19) VCF-style: chr1-36938227-T-A.
Other names: c.734A>T, p.Gln245Leu (NM_156039.3, NM_172313.3); short protein forms Q245L.
Identifiers: ClinVar variation 1922573 (VCV001922573.5), dbSNP rs2521795380, ClinGen allele CA339423091.

ClinVar aggregate classification (germline): Uncertain significance (1 of 4 stars; one submission).

Conditions:
Autosomal recessive severe congenital neutropenia due to CSF3R deficiency. Also called: Neutropenia, severe congenital, 7, autosomal recessive. Identifiers: Orphanet 420702, MedGen C4310764, MONDO:0014865, OMIM 617014.

Submission:

Labcorp Genetics (formerly Invitae), Labcorp
Classification: Uncertain significance for Autosomal recessive severe congenital neutropenia due to CSF3R deficiency. Last evaluated: 2022-05-25. Review status: criteria provided, single submitter. Criteria: Invitae Variant Classification Sherloc (09022015). Collection method: clinical testing. Allele origin: germline.
Comment: In summary, the available evidence is currently insufficient to determine the role of this variant in disease. Therefore, it has been classified as a Variant of Uncertain Significance. Algorithms developed to predict the effect of sequence changes on RNA splicing suggest that this variant may disrupt the consensus splice site. Algorithms developed to predict the effect of missense changes on protein structure and function (SIFT, PolyPhen-2, Align-GVGD) all suggest that this variant is likely to be tolerated. This variant has not been reported in the literature in individuals affected with CSF3R-related conditions. This variant is not present in population databases (gnomAD no frequency). This sequence change replaces glutamine, which is neutral and polar, with leucine, which is neutral and non-polar, at codon 245 of the CSF3R protein (p.Gln245Leu).